The following is an entry in ClinVar:

NC_000001.10:g.(?_213224747)_(213224871_?)dup

Gene: RPS6KC1 (ribosomal protein S6 kinase C1; plus strand). Cytogenetic location: 1q32.3.
Variant type: Duplication.
Identifiers: ClinVar variation 3247985 (VCV003247985.1).

ClinVar aggregate classification (germline): Uncertain significance (1 of 4 stars; one submission).

Submission:

Labcorp Genetics (formerly Invitae), Labcorp
Classification: Uncertain significance. Last evaluated: 2024-01-09. Review status: criteria provided, single submitter. Criteria: Invitae Variant Classification Sherloc (09022015). Collection method: clinical testing. Allele origin: unknown.
Comment: This variant results in a copy number gain of the genomic region encompassing exon(s) 1 of the RPS6KC1 gene. This region includes the initiator codon of the gene. This copy number gain extends beyond the assayed region for this gene and therefore may encompass additional genes. As the precise location of this event is unknown, it may be in tandem or it may be located elsewhere in the genome. This variant has not been reported in the literature in individuals affected with RPS6KC1-related conditions. In summary, the available evidence is currently insufficient to determine the role of this variant in disease. Therefore, it has been classified as a Variant of Uncertain Significance.